The following is an entry in ClinVar:

NM_017617.5(NOTCH1):c.1903+6C>T

Gene: NOTCH1 (notch receptor 1; minus strand). Cytogenetic location: 9q34.3.
Variant type: single nucleotide variant.
Coding change: c.1903+6C>T on transcript NM_017617.5 (MANE Select); 6 bases into the intron after coding-DNA position 1903, C replaced by T.
Molecular consequence: intron variant.
Genome position (GRCh38, 1-based): chr9:136,515,477, G>A on the plus strand (C>T on the coding strand, the complement: NOTCH1 is on the minus strand). VCF-style: chr9-136515477-G-A. GRCh37 (hg19) VCF-style: chr9-139409929-G-A.
Other names: c.1903+6C>T (LRG_1122t1).
Identifiers: ClinVar variation 477884 (VCV000477884.10), dbSNP rs753388966, ClinGen allele CA5341600.

ClinVar aggregate classification (germline): Uncertain significance (1 of 4 stars; one submission).

Conditions:
Adams-Oliver syndrome 5 (AOS5). Identifiers: Orphanet 974, MedGen C4014970, MONDO:0014459, OMIM 616028.

Allele frequency attached by ClinVar (database versions not stated): ExAC 0.00001; gnomAD 0.00001; TOPMed 0.00001; gnomAD exomes 0.00002 and 0.00003.
gnomAD v4.1: 41 of 1,611,480 alleles (0.0025%); highest among the groups gnomAD compares: East Asian, 0.018%; no homozygotes.

Submission:

Labcorp Genetics (formerly Invitae), Labcorp
Classification: Uncertain significance for Adams-Oliver syndrome 5. Last evaluated: 2024-07-13. Review status: criteria provided, single submitter. Criteria: Invitae Variant Classification Sherloc (09022015). Collection method: clinical testing. Allele origin: germline.
Comment: This sequence change falls in intron 11 of the NOTCH1 gene. It does not directly change the encoded amino acid sequence of the NOTCH1 protein. It affects a nucleotide within the consensus splice site. This variant is present in population databases (rs753388966, gnomAD 0.006%). This variant has not been reported in the literature in individuals affected with NOTCH1-related conditions. ClinVar contains an entry for this variant (Variation ID: 477884). Variants that disrupt the consensus splice site are a relatively common cause of aberrant splicing (PMID: 17576681, 9536098). Algorithms developed to predict the effect of sequence changes on RNA splicing suggest that this variant is not likely to affect RNA splicing. In summary, the available evidence is currently insufficient to determine the role of this variant in disease. Therefore, it has been classified as a Variant of Uncertain Significance.

Literature cited by the submitters: PubMed 17576681; PubMed 9536098.